The following is an entry in ClinVar:

NM_006031.6(PCNT):c.8231A>T (p.Gln2744Leu)

Gene: PCNT (pericentrin; plus strand). Cytogenetic location: 21q22.3.
Variant type: single nucleotide variant.
Coding change: c.8231A>T on transcript NM_006031.6 (MANE Select); coding-DNA position 8231, A replaced by T.
Protein change: p.Gln2744Leu; replaces glutamine 2744 with leucine.
Molecular consequence: missense variant.
Genome position (GRCh38, 1-based): chr21:46,431,695, A>T. VCF-style: chr21-46431695-A-T. GRCh37 (hg19) VCF-style: chr21-47851609-A-T.
Other names: c.7877A>T, p.Gln2626Leu (NM_001315529.2); short protein forms Q2626L, Q2744L.
Identifiers: ClinVar variation 2077726 (VCV002077726.4), dbSNP rs142543426, ClinGen allele CA10080918.

ClinVar aggregate classification (germline): Uncertain significance. Review status: criteria provided, multiple submitters, no conflicts (2 of 4 stars). 3 submissions from 3 submitters: Uncertain significance (2). 1 of the submissions does not count toward it. Last evaluated 2022-10-05.

Conditions:
Inborn genetic diseases. Identifiers: MedGen C0950123, MeSH D030342.
PCNT-related disorder. Also called: PCNT-related condition.

Allele frequency attached by ClinVar (database versions not stated): ExAC 0.00005; gnomAD 0.00005; ESP Exome Variant Server 0.00008; 1000 Genomes Project 30x 0.00016; 1000 Genomes Project 0.00020.
gnomAD v4.1: 59 of 1,612,730 alleles (0.0037%); highest among the groups gnomAD compares: Middle Eastern, 0.12%; 1 homozygote.

Submissions (3):

Ambry Genetics
Classification: Uncertain significance for Inborn genetic diseases. Last evaluated: 2022-10-05. Review status: criteria provided, single submitter. Criteria: Ambry Variant Classification Scheme 2023. Collection method: clinical testing. Allele origin: germline.

Labcorp Genetics (formerly Invitae), Labcorp
Classification: Uncertain significance. Last evaluated: 2022-06-26. Review status: criteria provided, single submitter. Criteria: Invitae Variant Classification Sherloc (09022015). Collection method: clinical testing. Allele origin: germline.
Comment: This sequence change replaces glutamine, which is neutral and polar, with leucine, which is neutral and non-polar, at codon 2744 of the PCNT protein (p.Gln2744Leu). This variant is present in population databases (rs142543426, gnomAD 0.02%). This variant has not been reported in the literature in individuals affected with PCNT-related conditions. Algorithms developed to predict the effect of missense changes on protein structure and function (SIFT, PolyPhen-2, Align-GVGD) all suggest that this variant is likely to be tolerated. In summary, the available evidence is currently insufficient to determine the role of this variant in disease. Therefore, it has been classified as a Variant of Uncertain Significance.

PreventionGenetics, part of Exact Sciences
Classification: Uncertain significance for PCNT-related condition. Last evaluated: 2024-05-02. Review status: no assertion criteria provided. Collection method: clinical testing. Allele origin: germline. Not counted in ClinVar's aggregate classification.
Comment: The PCNT c.8231A>T variant is predicted to result in the amino acid substitution p.Gln2744Leu. To our knowledge, this variant has not been reported in the literature. This variant is reported in 0.023% of alleles in individuals of South Asian descent in gnomAD. At this time, the clinical significance of this variant is uncertain due to the absence of conclusive functional and genetic evidence.